The following is an entry in ClinVar:

ClinVar aggregate classification (germline): Conflicting classifications of pathogenicity. Review status: criteria provided, conflicting classifications (1 of 4 stars). 11 submissions from 10 submitters: Uncertain significance (2); Likely benign (7). 2 of the submissions do not count toward it. Last evaluated 2026-01-05.

Conditions:
WFS1-Related Spectrum Disorders.
Autosomal dominant nonsyndromic hearing loss 6 (LFSNHL). Also called: DEAFNESS, AUTOSOMAL DOMINANT 6; DEAFNESS, AUTOSOMAL DOMINANT 14; DEAFNESS, AUTOSOMAL DOMINANT 38; Autosomal dominant nonsyndromic deafness 6. Identifiers: Orphanet 90635, MedGen C1833021, MONDO:0010963, OMIM 600965.
Wolfram syndrome 1 (WFS1). Identifiers: Orphanet 3463, MedGen C4551693, MONDO:0009101, OMIM 222300.

Allele frequency attached by ClinVar (database versions not stated): 1000 Genomes Project 30x 0.00016; 1000 Genomes Project 0.00020; ESP Exome Variant Server 0.00023; ExAC 0.00026; gnomAD exomes 0.00033; TOPMed 0.00058; gnomAD 0.00076.
gnomAD v4.1: 339 of 1,614,046 alleles (0.021%); highest among the groups gnomAD compares: East Asian, 0.25%; no homozygotes.

Submissions (11):

Labcorp Genetics (formerly Invitae), Labcorp
Classification: Likely benign. Last evaluated: 2026-01-05. Review status: criteria provided, single submitter. Criteria: Invitae Variant Classification Sherloc (09022015). Collection method: clinical testing. Allele origin: germline.

Blueprint Genetics
Classification: Likely benign. Last evaluated: 2024-11-26. Review status: criteria provided, single submitter. Criteria: ACMG Guidelines, 2015. Collection method: clinical testing. Allele origin: germline.

CeGaT Center for Human Genetics Tuebingen
Classification: Likely benign. Last evaluated: 2021-06-01. Review status: criteria provided, single submitter. Criteria: CeGaT Center For Human Genetics Tuebingen Variant Classification Criteria Version 2. Collection method: clinical testing. Allele origin: germline. Affected: yes. Observed: 2 variant alleles.

GeneDx
Classification: Likely benign. Last evaluated: 2021-03-06. Review status: criteria provided, single submitter. Criteria: GeneDx Variant Classification Process June 2021. Collection method: clinical testing. Allele origin: germline. Affected: yes.
Comment: This variant is associated with the following publications: (PMID: 15605410)

Eurofins Ntd Llc (ga)
Classification: Uncertain significance. Last evaluated: 2018-06-28. Review status: criteria provided, single submitter. Criteria: EGL ClinVar v180209 classification definitions. Collection method: clinical testing. Allele origin: germline. Observed: 1 variant allele, 1 heterozygote.

Illumina Laboratory Services, Illumina
Classification: Likely benign for Autosomal dominant nonsyndromic hearing loss 6. Last evaluated: 2017-04-27. Review status: criteria provided, single submitter. Criteria: ICSL Variant Classification Criteria 13 December 2019. Collection method: clinical testing. Allele origin: germline.
Comment: This variant was observed as part of a predisposition screen in an ostensibly healthy population. A literature search was performed for the gene, cDNA change, and amino acid change (where applicable). No publications were found based on this search. Allele frequency data from public databases allowed determination this variant is unlikely to cause disease. Therefore, this variant is classified as likely benign.

Illumina Laboratory Services, Illumina
Classification: Uncertain significance for WFS1-Related Spectrum Disorders. Last evaluated: 2017-04-27. Review status: criteria provided, single submitter. Criteria: ICSL Variant Classification Criteria 13 December 2019. Collection method: clinical testing. Allele origin: germline.
Comment: This variant was observed as part of a predisposition screen in an ostensibly healthy population. A literature search was performed for the gene, cDNA change, and amino acid change (where applicable). Publications were found based on this search. However, the evidence from the literature, in combination with allele frequency data from public databases where available, was not sufficient to rule this variant in or out of causing disease. Therefore, this variant is classified as a variant of unknown significance.

Laboratory for Molecular Medicine, Mass General Brigham Personalized Medicine
Classification: Likely benign. Last evaluated: 2012-04-30. Review status: criteria provided, single submitter. Criteria: LMM Criteria. Collection method: clinical testing. Allele origin: germline. Observed: 1 variant allele.
Comment: Phe384Phe in Exon 08 of WFS1: This variant is not expected to have clinical sign ificance because it does not alter an amino acid residue, is not located within the splice consensus sequence, and has been identified in 0.1% (3/3738) of Afric an American chromosomes from a broad population by the NHLBI Exome Sequencing Pr oject (dbSNP rs149846741).

Clinical Genomics, Uppaluri K&H Personalized Medicine Clinic
Classification: Likely benign for Wolfram syndrome 1. Review status: criteria provided, single submitter. Criteria: K & H Uppaluri Personalized Medicine Clinic Variant Classification & Assertion Criteria_Updated V.1. Collection method: research. Allele origin: unknown. Inheritance: Autosomal recessive inheritance.
Comment: Potent mutations in WFS1 gene are associated with Wolfram's syndrome, an autosomal recessive condition, which cause diabetes mellitus, diabetes insipidus, deafness and optic atrophy.However no sufficient evidence is found to ascertain the role of this particular variant rs149846741 in Wolfram's syndrome yet.

Clinical Genetics DNA and cytogenetics Diagnostics Lab, Erasmus MC, Erasmus Medical Center
Classification: Likely benign. Review status: no assertion criteria provided. Collection method: clinical testing. Allele origin: germline. Affected: yes. Study: VKGL Data-share Consensus. Not counted in ClinVar's aggregate classification.

Laboratory of Diagnostic Genome Analysis, Leiden University Medical Center (LUMC)
Classification: Likely benign. Review status: no assertion criteria provided. Collection method: clinical testing. Allele origin: germline. Affected: yes. Study: VKGL Data-share Consensus. Not counted in ClinVar's aggregate classification.

Literature cited by the submitters: PubMed 15605410 (cited by Illumina Laboratory Services, Illumina); PubMed 20738327 (cited by Clinical Genomics, Uppaluri K&H Personalized Medicine Clinic); PubMed 33879153 (cited by Clinical Genomics, Uppaluri K&H Personalized Medicine Clinic); PubMed 12955714 (cited by Clinical Genomics, Uppaluri K&H Personalized Medicine Clinic); PubMed 18060660 (cited by Clinical Genomics, Uppaluri K&H Personalized Medicine Clinic); PubMed 20301750 (cited by Clinical Genomics, Uppaluri K&H Personalized Medicine Clinic); PubMed 17603484 (cited by Clinical Genomics, Uppaluri K&H Personalized Medicine Clinic).

NM_006005.3(WFS1):c.1152C>T (p.Phe384=)

Gene: WFS1 (wolframin ER transmembrane glycoprotein; plus strand). Cytogenetic location: 4p16.1.
Variant type: single nucleotide variant.
Coding change: c.1152C>T on transcript NM_006005.3 (MANE Select); coding-DNA position 1152, C replaced by T.
Protein change: p.Phe384=; no amino-acid change (phenylalanine 384 retained).
Molecular consequence: synonymous variant.
Genome position (GRCh38, 1-based): chr4:6,300,947, C>T. VCF-style: chr4-6300947-C-T. GRCh37 (hg19) VCF-style: chr4-6302674-C-T.
Other names: c.1152C>T, p.Phe384= (NM_001145853.1).
Identifiers: ClinVar variation 178589 (VCV000178589.72), dbSNP rs149846741, ClinGen allele CA182616.
Genomic context (GRCh38, chr4:6,300,947, plus strand): 5'-GTTCCAGGACAGCAAGGCCTGGGAGAACTTCCGCACCCTCACCGACCTGCTGCTGCGCTT[C>T]GAGCCCAACCTGGATGTGGAGCAGGCCGAGGTCAACTTCGGCTGGAACCACCTGGAGCCC-3'
Protein context (NP_005996.2, residues 374-394): FRTLTDLLLR[Phe384=]EPNLDVEQAE